The following is an entry in ClinVar:

NM_000038.6(APC):c.1019C>G (p.Ser340Cys)

Gene: APC (APC regulator of Wnt signaling pathway; plus strand). Cytogenetic location: 5q22.2.
Variant type: single nucleotide variant.
Coding change: c.1019C>G on transcript NM_000038.6 (MANE Select); coding-DNA position 1019, C replaced by G.
Protein change: p.Ser340Cys; replaces serine 340 with cysteine.
Molecular consequence: missense variant. On other transcripts: intron variant (4).
Genome position (GRCh38, 1-based): chr5:112,819,051, C>G. VCF-style: chr5-112819051-C-G. GRCh37 (hg19) VCF-style: chr5-112154748-C-G.
Other names: c.1019C>G, p.Ser340Cys (NM_001127510.3, NM_001354895.2, NM_001354896.2); c.965C>G, p.Ser322Cys (NM_001127511.3); c.1049C>G, p.Ser350Cys (NM_001354897.2); c.944C>G, p.Ser315Cys (NM_001354898.2); c.935C>G, p.Ser312Cys (NM_001354899.2); c.842C>G, p.Ser281Cys (NM_001354900.2, NM_001354901.2); c.170C>G, p.Ser57Cys (NM_001354906.2); c.964-218C>G (NM_001354902.2); and 3 more; short protein forms S281C, S315C, S322C, S340C, S57C, S350C, S312C.
Identifiers: ClinVar variation 818262 (VCV000818262.7), dbSNP rs1580528320, ClinGen allele CA16023541.

ClinVar aggregate classification (germline): Uncertain significance. Review status: criteria provided, multiple submitters, no conflicts (2 of 4 stars). 2 submissions from 2 submitters: Uncertain significance (2). Last evaluated 2023-09-26.

Conditions:
Hereditary cancer-predisposing syndrome. Also called: Tumor predisposition; Hereditary neoplastic syndrome; Neoplastic Syndromes, Hereditary; Hereditary Cancer Syndrome. Identifiers: Orphanet 140162, MedGen C0027672, MeSH D009386, MONDO:0015356.
Familial adenomatous polyposis 1 (FAP1). Also called: FAMILIAL ADENOMATOUS POLYPOSIS 1, ATTENUATED; POLYPOSIS, ADENOMATOUS INTESTINAL. Identifiers: MedGen C2713442, MONDO:0021056, OMIM 175100. Disease mechanism: loss of function.

Submissions (2):

Labcorp Genetics (formerly Invitae), Labcorp
Classification: Uncertain significance for Familial adenomatous polyposis 1. Last evaluated: 2023-09-26. Review status: criteria provided, single submitter. Criteria: Invitae Variant Classification Sherloc (09022015). Collection method: clinical testing. Allele origin: germline.
Comment: In summary, the available evidence is currently insufficient to determine the role of this variant in disease. Therefore, it has been classified as a Variant of Uncertain Significance. Advanced modeling of protein sequence and biophysical properties (such as structural, functional, and spatial information, amino acid conservation, physicochemical variation, residue mobility, and thermodynamic stability) performed at Invitae indicates that this missense variant is not expected to disrupt APC protein function. ClinVar contains an entry for this variant (Variation ID: 818262). This variant has not been reported in the literature in individuals affected with APC-related conditions. This variant is not present in population databases (gnomAD no frequency). This sequence change replaces serine, which is neutral and polar, with cysteine, which is neutral and slightly polar, at codon 340 of the APC protein (p.Ser340Cys).

Ambry Genetics
Classification: Uncertain significance for Hereditary cancer-predisposing syndrome. Last evaluated: 2018-03-07. Review status: criteria provided, single submitter. Criteria: Ambry Variant Classification Scheme 2023. Collection method: clinical testing. Allele origin: germline.
Comment: The p.S340C variant (also known as c.1019C>G), located in coding exon 9 of the APC gene, results from a C to G substitution at nucleotide position 1019. The serine at codon 340 is replaced by cysteine, an amino acid with dissimilar properties. This amino acid position is highly conserved in available vertebrate species. In addition, in silico predictors for this gene do not accurately predict pathogenicity. Since supporting evidence is limited at this time, the clinical significance of this alteration remains unclear.